The following is an entry in ClinVar:

NM_004360.5(CDH1):c.163+4_163+6dup

Gene: CDH1 (cadherin 1; plus strand). Cytogenetic location: 16q22.1.
Variant type: Duplication.
Coding change: c.163+4_163+6dup on transcript NM_004360.5 (MANE Select); bases 4 to 6 of the intron after coding-DNA position 163, 3 bases duplicated (AGG; older notation c.163+4_163+6dupAGG).
Molecular consequence: intron variant.
Genome position (GRCh38, 1-based): chr16:68,738,415-68,738,417, AGG duplicated; duplicating any 3 consecutive bases within chr16:68,738,414-68,738,417 gives the same sequence; the c. name uses the placement nearest the transcript's 3' end. VCF-style (leftmost placement, unchanged base first): chr16-68738413-T-TGAG. GRCh37 (hg19) VCF-style: chr16-68772316-T-TGAG.
Other names: c.163+4_163+6dup (LRG_301t1, NM_001317184.2, NM_004360.3 and 1 more transcripts); c.-1453+4_-1453+6dup (NM_001317185.2); c.-1657+4_-1657+6dup (NM_001317186.2); c.163+4_163+6dupAGG (NM_004360.5).
Identifiers: ClinVar variation 186186 (VCV000186186.26), dbSNP rs1205684749, ClinGen allele CA194099.

ClinVar aggregate classification (germline): Likely benign. Review status: reviewed by expert panel (3 of 4 stars). 8 submissions from 8 submitters: Likely benign (1). 7 of the submissions do not count toward it. Last evaluated 2023-08-17.

Conditions:
CDH1-related diffuse gastric and lobular breast cancer syndrome. Also called: CDH1-related diffuse gastric and lobular breast cancer. Identifiers: MedGen CN311521, MONDO:0100488.
Hereditary cancer-predisposing syndrome. Also called: Hereditary Cancer Syndrome; Neoplastic Syndromes, Hereditary; Tumor predisposition; Hereditary neoplastic syndrome. Identifiers: Orphanet 140162, MedGen C0027672, MeSH D009386, MONDO:0015356.
Hereditary diffuse gastric adenocarcinoma (HDGC). Also called: DIFFUSE GASTRIC AND LOBULAR BREAST CANCER SYNDROME. Identifiers: Orphanet 26106, MedGen C1708349, MONDO:0007648, OMIM 137215.

Submissions (8):

Clingen Gastric Cancer Variant Curation Expert Panel
Classification: Likely benign for CDH1-related diffuse gastric and lobular breast cancer syndrome. Last evaluated: 2023-08-17. Review status: reviewed by expert panel. Criteria: ClinGen CDH1 ACMG Specifications V3.1. Collection method: curation. Allele origin: germline. Inheritance: Autosomal dominant inheritance.
Comment: The CDH1 c.163+4_163+6dupAGG variant occurs in the splice donor region of intron 2. This allele is present at a frequency of 0.00001338 (2 in 149,510 alleles) in the gnomAD database (GRCh37). This variant has been observed in more than ten individuals without DGC, SRC tumours or LBC and whose families do not suggest HDGC (BS2; SCV000969083.1, SCV000216473.4, SCV000637738.2). In summary, this variant is classified as likely benign based on ACMG/AMP criteria applied as specified by the CDH1 Variant Curation Expert Panel (Variant Interpretation Guidelines Version 3.1): BS2.

Labcorp Genetics (formerly Invitae), Labcorp
Classification: Likely benign for Hereditary diffuse gastric adenocarcinoma. Last evaluated: 2026-02-01. Review status: criteria provided, single submitter. Criteria: Invitae Variant Classification Sherloc (09022015). Collection method: clinical testing. Allele origin: germline. Not counted in ClinVar's aggregate classification.

Center for Genomic Medicine, Rigshospitalet, Copenhagen University Hospital
Classification: Likely benign. Last evaluated: 2025-03-04. Review status: criteria provided, single submitter. Criteria: ACMG Guidelines, 2015. Collection method: clinical testing. Allele origin: germline. Not counted in ClinVar's aggregate classification.

Ambry Genetics
Classification: Likely benign for Hereditary cancer-predisposing syndrome. Last evaluated: 2023-11-03. Review status: criteria provided, single submitter. Criteria: Ambry Variant Classification Scheme 2023. Collection method: clinical testing. Allele origin: germline. Not counted in ClinVar's aggregate classification.

Quest Diagnostics Nichols Institute San Juan Capistrano
Classification: Likely benign. Last evaluated: 2023-06-06. Review status: criteria provided, single submitter. Criteria: Quest Diagnostics criteria. Collection method: clinical testing. Allele origin: unknown. Not counted in ClinVar's aggregate classification.

Myriad Genetics, Inc.
Classification: Likely benign for Hereditary diffuse gastric adenocarcinoma. Last evaluated: 2023-03-03. Review status: criteria provided, single submitter. Criteria: Myriad Autosomal Dominant, Autosomal Recessive and X-Linked Classification Criteria (2023). Collection method: clinical testing. Allele origin: unknown. Not counted in ClinVar's aggregate classification.
Comment: This variant is considered likely benign. This variant is intronic and is not expected to impact mRNA splicing.

GeneDx
Classification: Likely benign. Last evaluated: 2021-05-05. Review status: criteria provided, single submitter. Criteria: GeneDx Variant Classification Process June 2021. Collection method: clinical testing. Allele origin: germline. Affected: yes. Not counted in ClinVar's aggregate classification.

Counsyl
Classification: Likely benign for Hereditary diffuse gastric adenocarcinoma. Last evaluated: 2016-07-22. Review status: no assertion criteria provided. Collection method: clinical testing. Allele origin: unknown. Not counted in ClinVar's aggregate classification.